The following is an entry in ClinVar:

NM_004456.5(EZH2):c.386A>G (p.His129Arg)

Gene: EZH2 (enhancer of zeste 2 polycomb repressive complex 2 subunit; minus strand). Cytogenetic location: 7q36.1.
Variant type: single nucleotide variant.
Coding change: c.386A>G on transcript NM_004456.5 (MANE Select); coding-DNA position 386, A replaced by G.
Protein change: p.His129Arg; replaces histidine 129 with arginine.
Molecular consequence: missense variant.
Genome position (GRCh38, 1-based): chr7:148,829,826, T>C on the plus strand (A>G on the coding strand, the complement: EZH2 is on the minus strand). VCF-style: chr7-148829826-T-C. GRCh37 (hg19) VCF-style: chr7-148526918-T-C.
Other names: c.386A>G, p.His129Arg (NM_001203247.2); c.359A>G, p.His120Arg (NM_001203248.2, NM_001203249.2); c.269A>G, p.His90Arg (NM_152998.3); short protein forms H120R, H129R, H90R.
Identifiers: ClinVar variation 1320091 (VCV001320091.3), dbSNP rs2129477011, ClinGen allele CA369721845.

ClinVar aggregate classification (germline): Conflicting classifications of pathogenicity. Review status: criteria provided, conflicting classifications (1 of 4 stars). 2 submissions from 2 submitters: Likely pathogenic (1); Uncertain significance (1). Last evaluated 2024-11-06.

Conditions:
Weaver syndrome (WVS). Also called: Weaver Smith syndrome; Overgrowth syndrome with accelerated skeletal maturation, unusual facies, and camptodactyly. Identifiers: Orphanet 3447, MedGen C0265210, MONDO:0010193, OMIM 277590.

Allele frequency attached by ClinVar (database versions not stated): gnomAD exomes below 0.00001.
gnomAD v4.1: 1 of 1,585,706 alleles (0.000063%); highest among the groups gnomAD compares: Non-Finnish European, 0.000086%; no homozygotes.

Submissions (2):

Labcorp Genetics (formerly Invitae), Labcorp
Classification: Uncertain significance for Weaver syndrome. Last evaluated: 2024-11-06. Review status: criteria provided, single submitter. Criteria: Invitae Variant Classification Sherloc (09022015). Collection method: clinical testing. Allele origin: germline.
Comment: This sequence change replaces histidine, which is basic and polar, with arginine, which is basic and polar, at codon 129 of the EZH2 protein (p.His129Arg). This variant is not present in population databases (gnomAD no frequency). This variant has not been reported in the literature in individuals affected with EZH2-related conditions. ClinVar contains an entry for this variant (Variation ID: 1320091). Invitae Evidence Modeling of protein sequence and biophysical properties (such as structural, functional, and spatial information, amino acid conservation, physicochemical variation, residue mobility, and thermodynamic stability) indicates that this missense variant is not expected to disrupt EZH2 protein function with a negative predictive value of 80%. In summary, the available evidence is currently insufficient to determine the role of this variant in disease. Therefore, it has been classified as a Variant of Uncertain Significance.

3billion
Classification: Likely pathogenic for Weaver syndrome. Last evaluated: 2021-10-02. Review status: criteria provided, single submitter. Criteria: ACMG Guidelines, 2015. Collection method: clinical testing. Allele origin: germline. Affected: yes. Observed: 1 heterozygote.
Comment: The variant was observed as assumed (i.e. paternity and maternity not confirmed) de novoo (3billion dataset, PM6). It is not observed in the gnomAD v2.1.1 dataset (PM2). In silico tool predictions suggest damaging effect of the variant on gene or gene product (REVEL: 0.739, PP3). Patient is considered compatible with Weaver syndrome (PP4_P). Therefore, this variant is classified as likely pathogenic according to the recommendation of ACMG/AMP guideline.